The following is an entry in ClinVar:

ClinVar aggregate classification (germline): Uncertain significance (1 of 4 stars; one submission).

Conditions:
Mast syndrome. Also called: SPASTIC PARAPLEGIA 21, AUTOSOMAL RECESSIVE. Identifiers: Orphanet 101001, MedGen C1855346, MONDO:0009568, OMIM 248900.

Allele frequency attached by ClinVar (database versions not stated): gnomAD exomes below 0.00001; TOPMed below 0.00001.
gnomAD v4.1: 1 of 1,614,108 alleles (0.000062%); highest among the groups gnomAD compares: Non-Finnish European, 0.000085%; no homozygotes.

Submission:

Labcorp Genetics (formerly Invitae), Labcorp
Classification: Uncertain significance for Mast syndrome. Last evaluated: 2022-02-04. Review status: criteria provided, single submitter. Criteria: Invitae Variant Classification Sherloc (09022015). Collection method: clinical testing. Allele origin: germline.
Comment: This sequence change replaces valine, which is neutral and non-polar, with methionine, which is neutral and non-polar, at codon 209 of the SPG21 protein (p.Val209Met). This variant is present in population databases (no rsID available, gnomAD 0.0009%). This variant has not been reported in the literature in individuals affected with SPG21-related conditions. ClinVar contains an entry for this variant (Variation ID: 661183). Algorithms developed to predict the effect of missense changes on protein structure and function are either unavailable or do not agree on the potential impact of this missense change (SIFT: "Deleterious"; PolyPhen-2: "Probably Damaging"; Align-GVGD: "Class C15"). In summary, the available evidence is currently insufficient to determine the role of this variant in disease. Therefore, it has been classified as a Variant of Uncertain Significance.

NM_016630.7(SPG21):c.625G>A (p.Val209Met)

Gene: SPG21 (SPG21 abhydrolase domain containing, maspardin; minus strand). Cytogenetic location: 15q22.31.
Variant type: single nucleotide variant.
Coding change: c.625G>A on transcript NM_016630.7 (MANE Select); coding-DNA position 625, G replaced by A.
Protein change: p.Val209Met; replaces valine 209 with methionine.
Molecular consequence: missense variant.
Genome position (GRCh38, 1-based): chr15:64,969,299, C>T on the plus strand (G>A on the coding strand, the complement: SPG21 is on the minus strand). VCF-style: chr15-64969299-C-T. GRCh37 (hg19) VCF-style: chr15-65261636-C-T.
Other names: c.625G>A, p.Val209Met (NM_001127889.5); c.544G>A, p.Val182Met (NM_001127890.5); short protein forms V182M, V209M.
Identifiers: ClinVar variation 661183 (VCV000661183.9), dbSNP rs1339771718, ClinGen allele CA392866561.